The following is an entry in ClinVar:

ClinVar aggregate classification (germline): Conflicting classifications of pathogenicity. Review status: criteria provided, conflicting classifications (1 of 4 stars). 2 submissions from 2 submitters: Likely pathogenic (1); Uncertain significance (1). Last evaluated 2025-09-17.

Conditions:
Congenital heart defects, dysmorphic facial features, and intellectual developmental disorder (CHDFIDD). Identifiers: Orphanet 646278, MedGen C4479246, MONDO:0044302, OMIM 617360.

Submissions (2):

3billion
Classification: Uncertain significance for Congenital heart defects, dysmorphic facial features, and intellectual developmental disorder. Last evaluated: 2025-09-17. Review status: criteria provided, single submitter. Criteria: ACMG Guidelines, 2015. Collection method: clinical testing. Allele origin: germline. Affected: yes.
Comment: The variant is not observed in the gnomAD v4.1.0 dataset. Predicted Consequence/Location: Missense variant In silico tool predictions suggest damaging effect of the variant on gene or gene product [REVEL: 0.65 (>=0.6, sensitivity 0.68 and specificity 0.92); 3Cnet: 0.98 (> 0.75, sensitivity 0.96 and precision 0.92)]. The same nucleotide change resulting in the same amino acid change has been previously reported to be associated with CDK13-related disorder (ClinVar ID: VCV003897639). A different missense change at the same codon (p.Leu858Val) has been reported to be associated with CDK13-related disorder (PMID: 38321498). However the evidence of pathogenicity is insufficient at this time. Therefore, this variant is classified as VUS according to the recommendation of ACMG/AMP guideline.

Genetics Laboratory, UDIAT-Centre Diagnòstic, Hospital Universitari Parc Tauli
Classification: Likely pathogenic for congenital heart defects, dysmorphic facial features, and intellectual developmental disorder. Last evaluated: 2024-09-04. Review status: criteria provided, single submitter. Criteria: ACMG Guidelines, 2015. Collection method: clinical testing. Allele origin: unknown. Inheritance: Autosomal dominant inheritance. Affected: yes.
Comment: PM1_moderate;PM2_supporting;PM6_moderate;PP3_supporting

Literature cited by the submitters: PubMed 38321498 (cited by 3billion).

NM_003718.5(CDK13):c.2572C>T (p.Leu858Phe)

Gene: CDK13 (cyclin dependent kinase 13; plus strand). Cytogenetic location: 7p14.1.
Variant type: single nucleotide variant.
Coding change: c.2572C>T on transcript NM_003718.5 (MANE Select); coding-DNA position 2572, C replaced by T.
Protein change: p.Leu858Phe; replaces leucine 858 with phenylalanine.
Molecular consequence: missense variant.
Genome position (GRCh38, 1-based): chr7:40,047,849, C>T. VCF-style: chr7-40047849-C-T. GRCh37 (hg19) VCF-style: chr7-40087448-C-T.
Other names: c.2572C>T, p.Leu858Phe (NM_031267.4); short protein forms L858F.
Identifiers: ClinVar variation 3897639 (VCV003897639.2).